The following is an entry in ClinVar:

ClinVar aggregate classification (germline): Pathogenic (1 of 4 stars; one submission).

Submission:

Labcorp Genetics (formerly Invitae), Labcorp
Classification: Pathogenic. Last evaluated: 2023-02-03. Review status: criteria provided, single submitter. Criteria: Invitae Variant Classification Sherloc (09022015). Collection method: clinical testing. Allele origin: germline.
Comment: For these reasons, this variant has been classified as Pathogenic. This sequence change creates a premature translational stop signal (p.Glu1437*) in the EYS gene. It is expected to result in an absent or disrupted protein product. Loss-of-function variants in EYS are known to be pathogenic (PMID: 18836446, 20333770). This variant is not present in population databases (gnomAD no frequency). This variant has not been reported in the literature in individuals affected with EYS-related conditions.

Literature cited by the submitters: PubMed 18836446; PubMed 20333770.

NM_001142800.2(EYS):c.4309G>T (p.Glu1437Ter)

Gene: EYS (EGF-like photoreceptor maintenance factor; minus strand). Cytogenetic location: 6q12.
Variant type: single nucleotide variant.
Coding change: c.4309G>T on transcript NM_001142800.2 (MANE Select); coding-DNA position 4309, G replaced by T.
Protein change: p.Glu1437Ter; replaces glutamic acid 1437 with a stop codon.
Molecular consequence: nonsense.
Genome position (GRCh38, 1-based): chr6:64,591,558, C>A on the plus strand (G>T on the coding strand, the complement: EYS is on the minus strand). VCF-style: chr6-64591558-C-A. GRCh37 (hg19) VCF-style: chr6-65301451-C-A.
Other names: c.4309G>T, p.Glu1437Ter (NM_001292009.2); short protein forms E1437*.
Identifiers: ClinVar variation 2807503 (VCV002807503.3), dbSNP rs2533154338, ClinGen allele CA364783600.
Genomic context (GRCh38, chr6:64,591,558, plus strand): 5'-CACTTATGGAGGCAGCTATAAGCAGGAATCCACGGGAGAGTAATGACTGCCTGTTTAGCT[C>A]AATATCAGCCCCTGGAATGCTTCTAATTACTGAAGTCGTTGGGGTAGCAGATAAAGCAAC-3'